The following is an entry in ClinVar:

ClinVar aggregate classification (germline): Likely benign. Review status: criteria provided, multiple submitters, no conflicts (2 of 4 stars). 3 submissions from 3 submitters: Likely benign (3). Last evaluated 2024-09-10.

Conditions:
Developmental and epileptic encephalopathy, 36 (DEE36). Also called: Epileptic encephalopathy, early infantile, 36; Congenital disorder of glycosylation, type Is; ALG13-CDG. Identifiers: Orphanet 324422, MedGen C4317295, MONDO:0010472, OMIM 300884.

Allele frequency attached by ClinVar (database versions not stated): ExAC 0.00001; gnomAD 0.00001; gnomAD exomes 0.00001; TOPMed 0.00002.
gnomAD v4.1: 15 of 1,208,966 alleles (0.0012%); highest among the groups gnomAD compares: Non-Finnish European, 0.0015%; no homozygotes.

Submissions (3):

Labcorp Genetics (formerly Invitae), Labcorp
Classification: Likely benign for Developmental and epileptic encephalopathy, 36. Last evaluated: 2024-09-10. Review status: criteria provided, single submitter. Criteria: Invitae Variant Classification Sherloc (09022015). Collection method: clinical testing. Allele origin: germline.

CeGaT Center for Human Genetics Tuebingen
Classification: Likely benign. Last evaluated: 2020-08-01. Review status: criteria provided, single submitter. Criteria: CeGaT Center For Human Genetics Tuebingen Variant Classification Criteria Version 2. Collection method: clinical testing. Allele origin: germline. Affected: yes. Observed: 1 variant allele.

GeneDx
Classification: Likely benign. Last evaluated: 2018-02-21. Review status: criteria provided, single submitter. Criteria: GeneDx Variant Classification (06012015). Collection method: clinical testing. Allele origin: germline. Affected: yes.
Comment: This variant is considered likely benign or benign based on one or more of the following criteria: it is a conservative change, it occurs at a poorly conserved position in the protein, it is predicted to be benign by multiple in silico algorithms, and/or has population frequency not consistent with disease.

NM_001099922.3(ALG13):c.426T>C (p.Ala142=)

Gene: ALG13 (ALG13 UDP-N-acetylglucosaminyltransferase subunit; plus strand). Cytogenetic location: Xq23.
Variant type: single nucleotide variant.
Coding change: c.426T>C on transcript NM_001099922.3 (MANE Select); coding-DNA position 426, T replaced by C.
Protein change: p.Ala142=; no amino-acid change (alanine 142 retained).
Molecular consequence: synonymous variant. On other transcripts: non-coding transcript variant (1).
Genome position (GRCh38, 1-based): chrX:111,708,069, T>C. VCF-style: chrX-111708069-T-C. GRCh37 (hg19) VCF-style: chrX-110951297-T-C.
Other names: c.114T>C, p.Ala38= (NM_001257230.2, NM_001257234.2, NM_001257237.2 and 1 more transcripts); c.192T>C, p.Ala64= (NM_001257231.2); c.426T>C, p.Ala142= (NM_001324292.2).
Identifiers: ClinVar variation 515513 (VCV000515513.47), dbSNP rs759472632, ClinGen allele CA10493535.